The following is an entry in ClinVar:

NM_003482.4(KMT2D):c.7144C>T (p.Pro2382Ser)

Gene: KMT2D (lysine methyltransferase 2D; minus strand). Cytogenetic location: 12q13.12.
Variant type: single nucleotide variant.
Coding change: c.7144C>T on transcript NM_003482.4 (MANE Select); coding-DNA position 7144, C replaced by T.
Protein change: p.Pro2382Ser; replaces proline 2382 with serine.
Molecular consequence: missense variant.
Genome position (GRCh38, 1-based): chr12:49,040,626, G>A on the plus strand (C>T on the coding strand, the complement: KMT2D is on the minus strand). VCF-style: chr12-49040626-G-A. GRCh37 (hg19) VCF-style: chr12-49434409-G-A.
Other names: short protein forms P2382S.
Identifiers: ClinVar variation 94247 (VCV000094247.37), dbSNP rs3741626, ClinGen allele CA147703.

ClinVar aggregate classification (germline): Benign. Review status: criteria provided, multiple submitters, no conflicts (2 of 4 stars). 12 submissions from 12 submitters: Benign (8). 4 of the submissions do not count toward it. Last evaluated 2026-02-02.

Conditions:
Kabuki syndrome. Also called: NIIKAWA-KUROKI SYNDROME; Kabuki make-up syndrome. Identifiers: Orphanet 2322, MedGen C0796004, MONDO:0016512.

Allele frequency attached by ClinVar (database versions not stated): TOPMed 0.00636; gnomAD 0.00802 and 0.00649; 1000 Genomes Project 0.02596; ESP Exome Variant Server 0.00370; 1000 Genomes Project 30x 0.02530.
gnomAD v4.1: 15,048 of 1,613,568 alleles (0.93%); highest among the groups gnomAD compares: East Asian, 8%; 240 homozygotes.

Submissions (12):

Labcorp Genetics (formerly Invitae), Labcorp
Classification: Benign for Kabuki syndrome. Last evaluated: 2026-02-02. Review status: criteria provided, single submitter. Criteria: Invitae Variant Classification Sherloc (09022015). Collection method: clinical testing. Allele origin: germline.

ARUP Laboratories, Molecular Genetics and Genomics, ARUP Laboratories
Classification: Benign. Last evaluated: 2024-07-12. Review status: criteria provided, single submitter. Criteria: ARUP Molecular Germline Variant Investigation Process 2024. Collection method: clinical testing. Allele origin: germline.

Athena Diagnostics
Classification: Benign. Last evaluated: 2024-04-22. Review status: criteria provided, single submitter. Criteria: Athena Diagnostics Criteria. Collection method: clinical testing. Allele origin: unknown.

Mayo Clinic Laboratories, Mayo Clinic
Classification: Benign. Last evaluated: 2022-09-06. Review status: criteria provided, single submitter. Criteria: ACMG Guidelines, 2015. Collection method: clinical testing. Allele origin: germline. Observed: 1 variant allele.

GeneDx
Classification: Benign. Last evaluated: 2015-03-03. Review status: criteria provided, single submitter. Criteria: GeneDx Variant Classification Process June 2021. Collection method: clinical testing. Allele origin: germline. Affected: yes.

Eurofins Ntd Llc (ga)
Classification: Benign. Last evaluated: 2013-07-08. Review status: criteria provided, single submitter. Criteria: EGL Classification Definitions 2015. Collection method: clinical testing. Allele origin: germline. Observed: 10 variant alleles, 9 heterozygotes, 1 homozygote.

Genetic Services Laboratory, University of Chicago
Classification: Benign. Last evaluated: 2013-02-08. Review status: criteria provided, single submitter. Criteria: ACMG Guidelines, 2007. Collection method: clinical testing. Allele origin: germline. Inheritance: Autosomal dominant inheritance.

Breakthrough Genomics
Classification: Benign. Review status: criteria provided, single submitter. Criteria: ACMG Guidelines, 2015. Collection method: not provided. Allele origin: germline. Inheritance: Autosomal dominant inheritance. Affected: yes.

ITMI
No classification provided. Condition: AllHighlyPenetrant. Last evaluated: 2013-09-19. Review status: no classification provided. Collection method: reference population. Allele origin: germline. Not counted in ClinVar's aggregate classification.
Comment: Please see associated publication for description of ethnicities

Genome Diagnostics Laboratory, University Medical Center Utrecht
Classification: Benign. Review status: no assertion criteria provided. Collection method: clinical testing. Allele origin: germline. Affected: yes. Study: VKGL Data-share Consensus. Not counted in ClinVar's aggregate classification.

Joint Genome Diagnostic Labs from Nijmegen and Maastricht, Radboudumc and MUMC+
Classification: Benign. Review status: no assertion criteria provided. Collection method: clinical testing. Allele origin: germline. Affected: yes. Study: VKGL Data-share Consensus. Not counted in ClinVar's aggregate classification.

Laboratory of Diagnostic Genome Analysis, Leiden University Medical Center (LUMC)
Classification: Benign. Review status: no assertion criteria provided. Collection method: clinical testing. Allele origin: germline. Affected: yes. Study: VKGL Data-share Consensus. Not counted in ClinVar's aggregate classification.

Literature cited by the submitters: PubMed 24728327 (cited by ITMI).